The following is an entry in ClinVar:

NM_004006.3(DMD):c.767G>A (p.Arg256Lys)

Gene: DMD (dystrophin; minus strand). Cytogenetic location: Xp21.1.
Variant type: single nucleotide variant.
Coding change: c.767G>A on transcript NM_004006.3 (MANE Select); coding-DNA position 767, G replaced by A.
Protein change: p.Arg256Lys; replaces arginine 256 with lysine.
Molecular consequence: missense variant.
Genome position (GRCh38, 1-based): chrX:32,699,176, C>T on the plus strand (G>A on the coding strand, the complement: DMD is on the minus strand). VCF-style: chrX-32699176-C-T. GRCh37 (hg19) VCF-style: chrX-32717293-C-T.
Other names: c.743G>A, p.Arg248Lys (NM_000109.4); c.755G>A, p.Arg252Lys (NM_004009.3); c.398G>A, p.Arg133Lys (NM_004010.3); short protein forms R133K, R248K, R252K, R256K.
Identifiers: ClinVar variation 3717737 (VCV003717737.2).

ClinVar aggregate classification (germline): Uncertain significance (1 of 4 stars; one submission).

Conditions:
Duchenne muscular dystrophy (DMD). Also called: Duchenne Muscular Dystrophy (DMD); MUSCULAR DYSTROPHY, PSEUDOHYPERTROPHIC PROGRESSIVE, DUCHENNE TYPE. Identifiers: Orphanet 98896, MedGen C0013264, MONDO:0010679, OMIM 310200.

gnomAD v4.1: 2 of 1,210,298 alleles (0.00017%); highest among the groups gnomAD compares: African/African-American, 0.0017%; no homozygotes.

Submission:

Labcorp Genetics (formerly Invitae), Labcorp
Classification: Uncertain significance for Duchenne muscular dystrophy. Last evaluated: 2024-07-15. Review status: criteria provided, single submitter. Criteria: Invitae Variant Classification Sherloc (09022015). Collection method: clinical testing. Allele origin: germline.
Comment: This sequence change replaces arginine, which is basic and polar, with lysine, which is basic and polar, at codon 256 of the DMD protein (p.Arg256Lys). This variant is present in population databases (no rsID available, gnomAD 0.008%). This variant has not been reported in the literature in individuals affected with DMD-related conditions. Advanced modeling of protein sequence and biophysical properties (such as structural, functional, and spatial information, amino acid conservation, physicochemical variation, residue mobility, and thermodynamic stability) performed at Invitae indicates that this missense variant is not expected to disrupt DMD protein function with a negative predictive value of 95%. In summary, the available evidence is currently insufficient to determine the role of this variant in disease. Therefore, it has been classified as a Variant of Uncertain Significance.